The following is an entry in ClinVar:

ClinVar aggregate classification (germline): Conflicting classifications of pathogenicity. Review status: criteria provided, conflicting classifications (1 of 4 stars). 2 submissions from 2 submitters: Uncertain significance (1); Likely benign (1). Last evaluated 2025-10-02.

Conditions:
CYP24A1-related disorder. Also called: CYP24A1-related condition.

Allele frequency attached by ClinVar (database versions not stated): TOPMed 0.00007; gnomAD exomes 0.00013; ExAC 0.00015; gnomAD 0.00018 and 0.00021.
gnomAD v4.1: 147 of 1,581,212 alleles (0.0093%); highest among the groups gnomAD compares: Middle Eastern, 0.017%; no homozygotes.

Submissions (2):

Labcorp Genetics (formerly Invitae), Labcorp
Classification: Likely benign. Last evaluated: 2025-10-02. Review status: criteria provided, single submitter. Criteria: Invitae Variant Classification Sherloc (09022015). Collection method: clinical testing. Allele origin: germline.

PreventionGenetics, part of Exact Sciences
Classification: Uncertain significance for CYP24A1-related condition. Last evaluated: 2025-02-05. Review status: criteria provided, single submitter. Criteria: ACMG Guidelines, 2015. Collection method: clinical testing. Allele origin: germline.
Comment: The CYP24A1 c.37G>A variant is predicted to result in the amino acid substitution p.Ala13Thr. To our knowledge, this variant has not been reported in the literature. This variant is reported in 0.12% of alleles in individuals of European (Finnish) descent in gnomAD. At this time, the clinical significance of this variant is uncertain due to the absence of conclusive functional and genetic evidence.

NM_000782.5(CYP24A1):c.37G>A (p.Ala13Thr)

Gene: CYP24A1 (cytochrome P450 family 24 subfamily A member 1; minus strand). Cytogenetic location: 20q13.2.
Variant type: single nucleotide variant.
Coding change: c.37G>A on transcript NM_000782.5 (MANE Select); coding-DNA position 37, G replaced by A.
Protein change: p.Ala13Thr; replaces alanine 13 with threonine.
Molecular consequence: missense variant.
Genome position (GRCh38, 1-based): chr20:54,173,543, C>T on the plus strand (G>A on the coding strand, the complement: CYP24A1 is on the minus strand). VCF-style: chr20-54173543-C-T. GRCh37 (hg19) VCF-style: chr20-52790082-C-T.
Other names: c.37G>A, p.Ala13Thr (NM_001128915.2); c.37G>A (NM_000782.4); short protein forms A13T.
Identifiers: ClinVar variation 1530538 (VCV001530538.9), dbSNP rs756992582, ClinGen allele CA9916288.